The following is an entry in ClinVar:

ClinVar aggregate classification (germline): Uncertain significance (1 of 4 stars; one submission).

Submission:

Labcorp Genetics (formerly Invitae), Labcorp
Classification: Uncertain significance. Last evaluated: 2025-07-09. Review status: criteria provided, single submitter. Criteria: Invitae Variant Classification Sherloc (09022015). Collection method: clinical testing. Allele origin: germline.
Comment: This sequence change replaces leucine, which is neutral and non-polar, with proline, which is neutral and non-polar, at codon 32 of the AIMP1 protein (p.Leu32Pro). This variant is not present in population databases (gnomAD no frequency). This variant has not been reported in the literature in individuals affected with AIMP1-related conditions. An algorithm developed to predict the effect of missense changes on protein structure and function (PolyPhen-2) suggests that this variant is likely to be disruptive. In summary, the available evidence is currently insufficient to determine the role of this variant in disease. Therefore, it has been classified as a Variant of Uncertain Significance.

NM_001142416.2(AIMP1):c.95T>C (p.Leu32Pro)

Gene: AIMP1 (aminoacyl tRNA synthetase complex interacting multifunctional protein 1; plus strand). Cytogenetic location: 4q24.
Variant type: single nucleotide variant.
Coding change: c.95T>C on transcript NM_001142416.2 (MANE Select); coding-DNA position 95, T replaced by C.
Protein change: p.Leu32Pro; replaces leucine 32 with proline.
Molecular consequence: missense variant.
Genome position (GRCh38, 1-based): chr4:106,325,104, T>C. VCF-style: chr4-106325104-T-C. GRCh37 (hg19) VCF-style: chr4-107246261-T-C.
Other names: c.95T>C, p.Leu32Pro (NM_001142415.2, NM_004757.4); short protein forms L32P.
Identifiers: ClinVar variation 4722873 (VCV004722873.1).